The following is an entry in ClinVar:

ClinVar aggregate classification (germline): Uncertain significance (1 of 4 stars; one submission).

gnomAD v4.1: 11 of 1,614,124 alleles (0.00068%); highest among the groups gnomAD compares: East Asian, 0.02%; no homozygotes.

Submission:

Labcorp Genetics (formerly Invitae), Labcorp
Classification: Uncertain significance. Last evaluated: 2025-03-25. Review status: criteria provided, single submitter. Criteria: Invitae Variant Classification Sherloc (09022015). Collection method: clinical testing. Allele origin: germline.
Comment: This sequence change replaces histidine, which is basic and polar, with tyrosine, which is neutral and polar, at codon 61 of the SLC10A2 protein (p.His61Tyr). This variant is present in population databases (rs761716856, gnomAD 0.03%). This variant has not been reported in the literature in individuals affected with SLC10A2-related conditions. Invitae Evidence Modeling of protein sequence and biophysical properties (such as structural, functional, and spatial information, amino acid conservation, physicochemical variation, residue mobility, and thermodynamic stability) indicates that this missense variant is not expected to disrupt SLC10A2 protein function with a negative predictive value of 80%. In summary, the available evidence is currently insufficient to determine the role of this variant in disease. Therefore, it has been classified as a Variant of Uncertain Significance.

NM_000452.3(SLC10A2):c.181C>T (p.His61Tyr)

Gene: SLC10A2 (solute carrier family 10 member 2; minus strand). Cytogenetic location: 13q33.1.
Variant type: single nucleotide variant.
Coding change: c.181C>T on transcript NM_000452.3 (MANE Select); coding-DNA position 181, C replaced by T.
Protein change: p.His61Tyr; replaces histidine 61 with tyrosine.
Molecular consequence: missense variant.
Genome position (GRCh38, 1-based): chr13:103,066,069, G>A on the plus strand (C>T on the coding strand, the complement: SLC10A2 is on the minus strand). VCF-style: chr13-103066069-G-A. GRCh37 (hg19) VCF-style: chr13-103718419-G-A.
Other names: short protein forms H61Y.
Identifiers: ClinVar variation 3628131 (VCV003628131.2).